The following is an entry in ClinVar:

ClinVar aggregate classification (germline): Uncertain significance (1 of 4 stars; one submission).

Conditions:
Leigh syndrome (NULS). Also called: Leigh's necrotizing encephalopathy; Leigh's disease; Leigh Syndrome (mtDNA deletion); Leigh Disease; Subacute necrotizing encephalopathy; Necrotizing encephalopathy infantile subacute of Leigh. Identifiers: Orphanet 506, MedGen C2931891, MONDO:0009723, OMIM 256000.

Submission:

Wong Mito Lab, Molecular and Human Genetics, Baylor College of Medicine
Classification: Uncertain significance for Leigh syndrome. Last evaluated: 2019-10-17. Review status: criteria provided, single submitter. Criteria: Modified ACMG Guidelines (Unpublished). Collection method: clinical testing. Allele origin: germline.
Comment: The NC_012920.1:m.9219T>G (YP_003024032.1:p.Ser5Ala) variant in MTCO3 gene is interpretated to be a Uncertain Significance variant based on the modified ACMG guidelines (unpublished). This variant meets the following evidence codes: BP4

NC_012920.1(MT-CO3):m.9219T>G

Gene: MT-CO3 (mitochondrially encoded cytochrome c oxidase III; plus strand).
Variant type: single nucleotide variant.
Genome position: chrM-9219-T-G.
Identifiers: ClinVar variation 693129 (VCV000693129.1), dbSNP rs1603222184, ClinGen allele CA414802459.